The following is an entry in ClinVar:

ClinVar aggregate classification (germline): Uncertain significance. Review status: criteria provided, multiple submitters, no conflicts (2 of 4 stars). 2 submissions from 2 submitters: Uncertain significance (2). Last evaluated 2025-07-22.

Conditions:
Medulloblastoma (MDB). Also called: Medulloblastoma, somatic; MEDULLOBLASTOMA PREDISPOSITION SYNDROME. Identifiers: Orphanet 616, MedGen C0025149, MeSH D008527, MONDO:0007959, OMIM 155255, HP:0002885.
Gorlin syndrome. Also called: Nevoid Basal Cell Carcinoma Syndrome; Basal cell nevus syndrome. Identifiers: Orphanet 377, MedGen C0004779, MONDO:0007187.
Hereditary cancer-predisposing syndrome. Also called: Hereditary neoplastic syndrome; Hereditary Cancer Syndrome; Tumor predisposition; Neoplastic Syndromes, Hereditary. Identifiers: Orphanet 140162, MedGen C0027672, MeSH D009386, MONDO:0015356.

Submissions (2):

Labcorp Genetics (formerly Invitae), Labcorp
Classification: Uncertain significance for Gorlin syndrome; Medulloblastoma. Last evaluated: 2025-07-22. Review status: criteria provided, single submitter. Criteria: Invitae Variant Classification Sherloc (09022015). Collection method: clinical testing. Allele origin: germline.
Comment: This sequence change replaces proline, which is neutral and non-polar, with serine, which is neutral and polar, at codon 24 of the SUFU protein (p.Pro24Ser). This variant is not present in population databases (gnomAD no frequency). This variant has not been reported in the literature in individuals affected with SUFU-related conditions. ClinVar contains an entry for this variant (Variation ID: 967548). Invitae Evidence Modeling of protein sequence and biophysical properties (such as structural, functional, and spatial information, amino acid conservation, physicochemical variation, residue mobility, and thermodynamic stability) indicates that this missense variant is not expected to disrupt SUFU protein function with a negative predictive value of 80%. In summary, the available evidence is currently insufficient to determine the role of this variant in disease. Therefore, it has been classified as a Variant of Uncertain Significance.

Ambry Genetics
Classification: Uncertain significance for Hereditary cancer-predisposing syndrome. Last evaluated: 2022-08-29. Review status: criteria provided, single submitter. Criteria: Ambry Variant Classification Scheme 2023. Collection method: clinical testing. Allele origin: germline.
Comment: The p.P24S variant (also known as c.70C>T), located in coding exon 1 of the SUFU gene, results from a C to T substitution at nucleotide position 70. The proline at codon 24 is replaced by serine, an amino acid with similar properties. This amino acid position is conserved. In addition, this alteration is predicted to be tolerated by in silico analysis. Since supporting evidence is limited at this time, the clinical significance of this alteration remains unclear.

NM_016169.4(SUFU):c.70C>T (p.Pro24Ser)

Genes: SUFU (SUFU negative regulator of hedgehog signaling; plus strand), LOC130004614 (ATAC-STARR-seq lymphoblastoid silent region 2764; plus strand). Cytogenetic location: 10q24.32.
Variant type: single nucleotide variant.
Coding change: c.70C>T on transcript NM_016169.4 (MANE Select); coding-DNA position 70, C replaced by T.
Protein change: p.Pro24Ser; replaces proline 24 with serine.
Molecular consequence: missense variant.
Genome position (GRCh38, 1-based): chr10:102,504,222, C>T. VCF-style: chr10-102504222-C-T. GRCh37 (hg19) VCF-style: chr10-104263979-C-T.
Other names: c.70C>T, p.Pro24Ser (NM_001178133.2); short protein forms P24S.
Identifiers: ClinVar variation 967548 (VCV000967548.12), dbSNP rs1219870817, ClinGen allele CA377886342.